The following is an entry in ClinVar:

ClinVar aggregate classification (germline): Uncertain significance (1 of 4 stars; one submission).

Submission:

Labcorp Genetics (formerly Invitae), Labcorp
Classification: Uncertain significance. Last evaluated: 2025-06-12. Review status: criteria provided, single submitter. Criteria: Invitae Variant Classification Sherloc (09022015). Collection method: clinical testing. Allele origin: germline.
Comment: This sequence change creates a premature translational stop signal (p.Gly264Alafs*5) in the PDX1 gene. While this is not anticipated to result in nonsense mediated decay, it is expected to disrupt the last 20 amino acid(s) of the PDX1 protein. This variant is not present in population databases (gnomAD no frequency). This variant has not been reported in the literature in individuals affected with PDX1-related conditions. Experimental studies and prediction algorithms are not available or were not evaluated, and the functional significance of this variant is currently unknown. In summary, the available evidence is currently insufficient to determine the role of this variant in disease. Therefore, it has been classified as a Variant of Uncertain Significance.

NM_000209.4(PDX1):c.784_790dup (p.Gly264fs)

Gene: PDX1 (pancreatic and duodenal homeobox 1; plus strand). Cytogenetic location: 13q12.2.
Variant type: Microsatellite.
Coding change: c.784_790dup on transcript NM_000209.4 (MANE Select); coding-DNA positions 784 to 790, 7 bases duplicated (CCGCCTG; older notation c.784_790dupCCGCCTG).
Protein change: p.Gly264fs; shifts the reading frame from glycine 264.
Molecular consequence: frameshift variant.
Genome position (GRCh38, 1-based): chr13:27,924,633-27,924,639, CCGCCTG duplicated; duplicating any 7 consecutive bases within chr13:27,924,625-27,924,639 gives the same sequence; the c. name uses the placement nearest the transcript's 3' end. VCF-style (leftmost placement, unchanged base first): chr13-27924624-G-GGCCGCCT. GRCh37 (hg19) VCF-style: chr13-28498761-G-GGCCGCCT.
Other names: short protein forms G264fs.
Identifiers: ClinVar variation 4697321 (VCV004697321.1).